The following is an entry in ClinVar:

ClinVar aggregate classification (germline): Uncertain significance (1 of 4 stars; one submission).

gnomAD v4.1: 4 of 1,612,372 alleles (0.00025%); highest among the groups gnomAD compares: Non-Finnish European, 0.00034%; no homozygotes.

Submission:

GeneDx
Classification: Uncertain significance. Last evaluated: 2025-04-23. Review status: criteria provided, single submitter. Criteria: GeneDx Variant Classification Process June 2021. Collection method: clinical testing. Allele origin: germline. Affected: yes.
Comment: Not observed at significant frequency in large population cohorts (gnomAD); Missense variant in a gene in which most reported pathogenic variants are truncating/loss of function; Has not been previously published as pathogenic or benign to our knowledge

NM_001267550.2(TTN):c.49660C>G (p.Pro16554Ala)

Genes: TTN (titin; minus strand), TTN-AS1 (TTN antisense RNA 1; plus strand). Cytogenetic location: 2q31.2.
Variant type: single nucleotide variant.
Coding change: c.49660C>G on transcript NM_001267550.2 (MANE Select); coding-DNA position 49660, C replaced by G.
Protein change: p.Pro16554Ala; replaces proline 16554 with alanine.
Molecular consequence: missense variant.
Genome position (GRCh38, 1-based): chr2:178,613,061, G>C on the plus strand (C>G on the coding strand, the complement: TTN is on the minus strand). VCF-style: chr2-178613061-G-C. GRCh37 (hg19) VCF-style: chr2-179477788-G-C.
Other names: c.44737C>G, p.Pro14913Ala (NM_001256850.1); c.22465C>G, p.Pro7489Ala (NM_003319.4); c.41956C>G, p.Pro13986Ala (NM_133378.4); c.22840C>G, p.Pro7614Ala (NM_133432.3); c.23041C>G, p.Pro7681Ala (NM_133437.4); short protein forms P13986A, P14913A, P16554A, P7489A, P7614A, P7681A.
Identifiers: ClinVar variation 4527400 (VCV004527400.1).